The following is an entry in ClinVar:

ClinVar aggregate classification (germline): Pathogenic (1 of 4 stars; one submission).

Conditions:
Hemochromatosis type 1 (HFE1). Also called: HFE-Related Hemochromatosis; HFE-Associated Hereditary Hemochromatosis. Identifiers: Orphanet 465508, MedGen C3469186, MONDO:0021001, OMIM 235200. Disease mechanism: loss of function.

gnomAD v4.1: 3 of 1,614,166 alleles (0.00019%); highest among the groups gnomAD compares: Non-Finnish European, 0.00017%; no homozygotes.

Submission:

Women's Health and Genetics/Laboratory Corporation of America, LabCorp
Classification: Pathogenic for Hemochromatosis type 1. Last evaluated: 2024-10-10. Review status: criteria provided, single submitter. Criteria: LabCorp Variant Classification Summary - May 2015. Collection method: clinical testing. Allele origin: germline.
Comment: Variant summary: HFE c.166C>T (p.Gln56X) results in a premature termination codon, predicted to cause absence of the protein due to nonsense mediated decay, which is a commonly known mechanism for disease. The variant was absent in 251488 control chromosomes (gnomAD). To our knowledge, no occurrence of c.166C>T in individuals affected with Hemochromatosis Type 1 and no experimental evidence demonstrating its impact on protein function have been reported. No submitters have cited clinical-significance assessments for this variant to ClinVar. Based on the evidence outlined above, the variant was classified as pathogenic.

NM_000410.4(HFE):c.166C>T (p.Gln56Ter)

Genes: HFE-AS1 (HFE antisense RNA 1; minus strand), HFE (homeostatic iron regulator; plus strand). Cytogenetic location: 6p22.2.
Variant type: single nucleotide variant.
Coding change: c.166C>T on transcript NM_000410.4 (MANE Select); coding-DNA position 166, C replaced by T.
Protein change: p.Gln56Ter; replaces glutamine 56 with a stop codon.
Molecular consequence: nonsense. On other transcripts: non-coding transcript variant (1), intron variant (5).
Genome position (GRCh38, 1-based): chr6:26,090,930, C>T. VCF-style: chr6-26090930-C-T. GRCh37 (hg19) VCF-style: chr6-26091158-C-T.
Other names: c.166C>T, p.Gln56Ter (NM_001300749.3, NM_001384164.1, NM_001406751.1 and 3 more transcripts); c.97C>T, p.Gln33Ter (NM_139009.3); c.77-384C>T (NM_139007.3, NM_001406752.1, NM_139008.3); c.77-1755C>T (NM_139010.3); c.77-2189C>T (NM_139011.3); short protein forms Q33*, Q56*.
Identifiers: ClinVar variation 3384778 (VCV003384778.1).